The following is an entry in ClinVar:

ClinVar aggregate classification (germline): Benign/Likely benign. Review status: criteria provided, multiple submitters, no conflicts (2 of 4 stars). 3 submissions from 3 submitters: Benign (1); Likely benign (2). Last evaluated 2025-12-09.

Conditions:
Breast-ovarian cancer, familial, susceptibility to, 3. Also called: RAD51C-Related Breast/Ovarian Cancer. Identifiers: Orphanet 145, MedGen C3150659, MONDO:0013253, OMIM 613399.
Hereditary cancer-predisposing syndrome. Also called: Tumor predisposition; Neoplastic Syndromes, Hereditary; Hereditary Cancer Syndrome; Hereditary neoplastic syndrome. Identifiers: Orphanet 140162, MedGen C0027672, MeSH D009386, MONDO:0015356.
Fanconi anemia complementation group O. Also called: RAD51C-Related Fanconi Anemia. Identifiers: Orphanet 84, MedGen C3150653, MONDO:0013248, OMIM 613390.

Allele frequency attached by ClinVar (database versions not stated): gnomAD exomes below 0.00001 and 0.00001; ExAC 0.00001.

Submissions (3):

Labcorp Genetics (formerly Invitae), Labcorp
Classification: Likely benign for Fanconi anemia complementation group O. Last evaluated: 2025-12-09. Review status: criteria provided, single submitter. Criteria: Invitae Variant Classification Sherloc (09022015). Collection method: clinical testing. Allele origin: germline.

Myriad Genetics, Inc.
Classification: Benign for Breast-ovarian cancer, familial, susceptibility to, 3. Last evaluated: 2025-02-18. Review status: criteria provided, single submitter. Criteria: Myriad Autosomal Dominant, Autosomal Recessive and X-Linked Classification Criteria (2023). Collection method: clinical testing. Allele origin: unknown.
Comment: This variant is considered benign. This variant is a silent/synonymous amino acid change and it is not expected to impact splicing.

Ambry Genetics
Classification: Likely benign for Hereditary cancer-predisposing syndrome. Last evaluated: 2019-12-27. Review status: criteria provided, single submitter. Criteria: Ambry Variant Classification Scheme 2023. Collection method: clinical testing. Allele origin: germline.

NM_058216.3(RAD51C):c.552A>G (p.Ala184=)

Gene: RAD51C (RAD51 paralog C; plus strand). Cytogenetic location: 17q22.
Variant type: single nucleotide variant.
Coding change: c.552A>G on transcript NM_058216.3 (MANE Select); coding-DNA position 552, A replaced by G.
Protein change: p.Ala184=; no amino-acid change (alanine 184 retained).
Molecular consequence: synonymous variant.
Genome position (GRCh38, 1-based): chr17:58,696,840, A>G. VCF-style: chr17-58696840-A-G. GRCh37 (hg19) VCF-style: chr17-56774201-A-G.
Identifiers: ClinVar variation 1094251 (VCV001094251.12), dbSNP rs761168518, ClinGen allele CA8677255.
Genomic context (GRCh38, chr17:58,696,840, plus strand): 5'-TATGGTTGATAGAGTGGTAGACCTTGCTACTGCCTGCATTCAGCACCTTCAGCTTATAGC[A>G]GAAAAACACAAGGGAGAGGGTAAGTTAGTAAATGATCTTCTTTTTTTCTGTATTAATAAA-3'
Protein context (NP_478123.1, residues 174-194): TACIQHLQLI[Ala184=]EKHKGEEHRK